The following is an entry in ClinVar:

NM_000092.5(COL4A4):c.1133del (p.Tyr378fs)

Gene: COL4A4 (collagen type IV alpha 4 chain; minus strand). Cytogenetic location: 2q36.3.
Variant type: Deletion.
Coding change: c.1133del on transcript NM_000092.5 (MANE Select); coding-DNA position 1133, one base deleted (A; older notation c.1133delA).
Protein change: p.Tyr378fs; shifts the reading frame from tyrosine 378.
Molecular consequence: frameshift variant.
Genome position (GRCh38, 1-based): chr2:227,098,765, T deleted on the plus strand (A on the coding strand, the reverse complement: COL4A4 is on the minus strand). VCF-style (leftmost placement, unchanged base first): chr2-227098764-AT-A. GRCh37 (hg19) VCF-style: chr2-227963480-AT-A.
Other names: short protein forms Y378fs.
Identifiers: ClinVar variation 5012872 (VCV005012872.1).

ClinVar aggregate classification (germline): Pathogenic (1 of 4 stars; one submission).

Conditions:
Alport syndrome. Also called: Hemorrhagic familial nephritis; Hemorrhagic hereditary nephritis; Congenital hereditary hematuria. Identifiers: Orphanet 63, MedGen C1567741, MONDO:0018965.

Submission:

Myriad Genetics, Inc.
Classification: Pathogenic for Alport syndrome. Last evaluated: 2024-03-29. Review status: criteria provided, single submitter. Criteria: Myriad Autosomal Dominant, Autosomal Recessive and X-Linked Classification Criteria (2023). Collection method: clinical testing. Allele origin: unknown.
Comment: NM_000092.4(COL4A4):c.1133delA(Y378Lfs*26) is expected to be pathogenic in the context of Alport syndrome, COL4A4-related. This variant is predicted to lead to an abnormal or absent protein product due to the creation of a premature termination codon in COL4A4, a gene where loss-of-function variants are known to be pathogenic. Please note: this variant was assessed in the context of healthy population screening.